The following is an entry in ClinVar:

NM_004972.4(JAK2):c.3158A>G (p.Lys1053Arg)

Genes: INSL6 (insulin like 6; minus strand), JAK2 (Janus kinase 2; plus strand). Cytogenetic location: 9p24.1.
Variant type: single nucleotide variant.
Coding change: c.3158A>G on transcript NM_004972.4 (MANE Select); coding-DNA position 3158, A replaced by G.
Protein change: p.Lys1053Arg; replaces lysine 1053 with arginine.
Molecular consequence: missense variant. On other transcripts: non-coding transcript variant (2).
Genome position (GRCh38, 1-based): chr9:5,123,102, A>G. VCF-style: chr9-5123102-A-G. GRCh37 (hg19) VCF-style: chr9-5123102-A-G.
Other names: c.3158A>G, p.Lys1053Arg (NM_001322195.2, NM_001322196.2, NM_001322194.2); c.1943A>G, p.Lys648Arg (NM_001322198.2, NM_001322199.2); c.2711A>G, p.Lys904Arg (NM_001322204.2); short protein forms K1053R, K648R, K904R.
Identifiers: ClinVar variation 2960183 (VCV002960183.3), dbSNP rs142094756, ClinGen allele CA4972361.

ClinVar aggregate classification (germline): Uncertain significance (1 of 4 stars; one submission).

Allele frequency attached by ClinVar (database versions not stated): ESP Exome Variant Server 0.00023; gnomAD 0.00014; ExAC 0.00005; TOPMed 0.00016.
gnomAD v4.1: 35 of 1,602,880 alleles (0.0022%); highest among the groups gnomAD compares: African/African-American, 0.044%; no homozygotes.

Submission:

Labcorp Genetics (formerly Invitae), Labcorp
Classification: Uncertain significance. Last evaluated: 2025-06-23. Review status: criteria provided, single submitter. Criteria: Invitae Variant Classification Sherloc (09022015). Collection method: clinical testing. Allele origin: germline.
Comment: This sequence change replaces lysine, which is basic and polar, with arginine, which is basic and polar, at codon 1053 of the JAK2 protein (p.Lys1053Arg). This variant is present in population databases (rs142094756, gnomAD 0.04%). This variant has not been reported in the literature in individuals affected with JAK2-related conditions. ClinVar contains an entry for this variant (Variation ID: 2960183). Invitae Evidence Modeling of protein sequence and biophysical properties (such as structural, functional, and spatial information, amino acid conservation, physicochemical variation, residue mobility, and thermodynamic stability) indicates that this missense variant is not expected to disrupt JAK2 protein function with a negative predictive value of 80%. In summary, the available evidence is currently insufficient to determine the role of this variant in disease. Therefore, it has been classified as a Variant of Uncertain Significance.